The following is an entry in ClinVar:

ClinVar aggregate classification (germline): Likely benign. Review status: criteria provided, multiple submitters, no conflicts (2 of 4 stars). 6 submissions from 6 submitters: Likely benign (5). 1 of the submissions does not count toward it. Last evaluated 2026-01-23.

Conditions:
COL9A3-related disorder. Also called: COL9A3-related condition.

Allele frequency attached by ClinVar (database versions not stated): gnomAD exomes 0.00014 and 0.00043; ExAC 0.00049; gnomAD 0.00149 and 0.00157; TOPMed 0.00165; ESP Exome Variant Server 0.00169; 1000 Genomes Project 0.00220; 1000 Genomes Project 30x 0.00265.
gnomAD v4.1: 443 of 1,612,778 alleles (0.027%); highest among the groups gnomAD compares: African/African-American, 0.49%; 2 homozygotes.

Submissions (6):

Labcorp Genetics (formerly Invitae), Labcorp
Classification: Likely benign. Last evaluated: 2026-01-23. Review status: criteria provided, single submitter. Criteria: Invitae Variant Classification Sherloc (09022015). Collection method: clinical testing. Allele origin: germline.

Blueprint Genetics
Classification: Likely benign. Last evaluated: 2023-11-10. Review status: criteria provided, single submitter. Criteria: ACMG Guidelines, 2015. Collection method: clinical testing. Allele origin: germline.

GeneDx
Classification: Likely benign. Last evaluated: 2020-06-01. Review status: criteria provided, single submitter. Criteria: GeneDx Variant Classification Process June 2021. Collection method: clinical testing. Allele origin: germline. Affected: yes.

Center for Pediatric Genomic Medicine, Children's Mercy Hospital and Clinics
Classification: Likely benign. Last evaluated: 2016-12-06. Review status: criteria provided, single submitter. Criteria: ACMG Guidelines, 2015. Collection method: clinical testing. Allele origin: germline.
ClinVar note: Converted during submission from Likely Benign to Likely benign.

Breakthrough Genomics
Classification: Likely benign. Review status: criteria provided, single submitter. Criteria: ACMG Guidelines, 2015. Collection method: not provided. Allele origin: germline. Inheritance: Autosomal recessive inheritance. Affected: yes.

PreventionGenetics, part of Exact Sciences
Classification: Benign for COL9A3-related condition. Last evaluated: 2019-08-09. Review status: no assertion criteria provided. Collection method: clinical testing. Allele origin: germline. Not counted in ClinVar's aggregate classification.
Comment: This variant is classified as benign based on ACMG/AMP sequence variant interpretation guidelines (Richards et al. 2015 PMID: 25741868, with internal and published modifications).

NM_001853.4(COL9A3):c.791C>T (p.Ala264Val)

Gene: COL9A3 (collagen type IX alpha 3 chain; plus strand). Cytogenetic location: 20q13.33.
Variant type: single nucleotide variant.
Coding change: c.791C>T on transcript NM_001853.4 (MANE Select); coding-DNA position 791, C replaced by T.
Protein change: p.Ala264Val; replaces alanine 264 with valine.
Molecular consequence: missense variant.
Genome position (GRCh38, 1-based): chr20:62,826,819, C>T. VCF-style: chr20-62826819-C-T. GRCh37 (hg19) VCF-style: chr20-61458171-C-T.
Other names: c.791C>T, p.Ala264Val (LRG_1253t1); short protein forms A264V.
Identifiers: ClinVar variation 376885 (VCV000376885.20), dbSNP rs140330666, ClinGen allele CA9949498.